The following is an entry in ClinVar:

NM_194279.3(ISCA2):c.-34G>A

Gene: ISCA2 (iron-sulfur cluster assembly 2; plus strand). Cytogenetic location: 14q24.3.
Variant type: single nucleotide variant.
Coding change: c.-34G>A on transcript NM_194279.3; 34 bases upstream of the start codon, G replaced by A.
Genome position (GRCh38, 1-based): chr14:74,493,741, G>A. VCF-style: chr14-74493741-G-A. GRCh37 (hg19) VCF-style: chr14-74960444-G-A.
Identifiers: ClinVar variation 390696 (VCV000390696.3), dbSNP rs756628201, ClinGen allele CA7268238.

ClinVar aggregate classification (germline): Likely benign (1 of 4 stars; one submission).

Allele frequency attached by ClinVar (database versions not stated): gnomAD 0.00016; gnomAD exomes 0.00031; TOPMed 0.00011; ExAC 0.00069.

Submission:

GeneDx
Classification: Likely benign. Last evaluated: 2017-06-12. Review status: criteria provided, single submitter. Criteria: GeneDx Variant Classification (06012015). Collection method: clinical testing. Allele origin: germline. Affected: yes.
Comment: This variant is considered likely benign or benign based on one or more of the following criteria: it is a conservative change, it occurs at a poorly conserved position in the protein, it is predicted to be benign by multiple in silico algorithms, and/or has population frequency not consistent with disease.